The following is an entry in ClinVar:

NM_005050.4(ABCD4):c.354C>T (p.His118=)

Gene: ABCD4 (ATP binding cassette subfamily D member 4; minus strand). Cytogenetic location: 14q24.3.
Variant type: single nucleotide variant.
Coding change: c.354C>T on transcript NM_005050.4 (MANE Select); coding-DNA position 354, C replaced by T.
Protein change: p.His118=; no amino-acid change (histidine 118 retained).
Molecular consequence: synonymous variant. On other transcripts: 5 prime UTR variant (12), non-coding transcript variant (9), intron variant (5).
Genome position (GRCh38, 1-based): chr14:74,298,001, G>A on the plus strand (C>T on the coding strand, the complement: ABCD4 is on the minus strand). VCF-style: chr14-74298001-G-A. GRCh37 (hg19) VCF-style: chr14-74764704-G-A.
Other names: c.354C>T, p.His118= (NM_001353591.2, NM_001353592.2, NM_020325.3); c.93C>T, p.His31= (NM_001353593.2, NM_001353594.2); c.-56C>T (NM_001353595.2, NM_001353596.2, NM_001353597.2); c.-124C>T (NM_001353598.2, NM_001353600.2); c.-336C>T (NM_001353602.2); c.-341C>T (NM_001353603.2, NM_001353605.2, NM_001353606.2 and 3 more transcripts); c.-269-1552C>T (NM_001353604.2); c.-52-1552C>T (NM_001353601.2); and 2 more.
Identifiers: ClinVar variation 388242 (VCV000388242.1), dbSNP rs768838020, ClinGen allele CA7267252.

ClinVar aggregate classification (germline): Likely benign (1 of 4 stars; one submission).

Allele frequency attached by ClinVar (database versions not stated): gnomAD below 0.00001 and 0.00003; TOPMed below 0.00001; gnomAD exomes 0.00003 and 0.00006; ExAC 0.00007.
gnomAD v4.1: 46 of 1,613,944 alleles (0.0029%); highest among the groups gnomAD compares: South Asian, 0.048%; no homozygotes.

Submission:

GeneDx
Classification: Likely benign. Last evaluated: 2016-08-01. Review status: criteria provided, single submitter. Criteria: GeneDx Variant Classification (06012015). Collection method: clinical testing. Allele origin: germline. Affected: yes.
Comment: This variant is considered likely benign or benign based on one or more of the following criteria: it is a conservative change, it occurs at a poorly conserved position in the protein, it is predicted to be benign by multiple in silico algorithms, and/or has population frequency not consistent with disease.